The following is an entry in ClinVar:

ClinVar aggregate classification (germline): Uncertain significance (1 of 4 stars; one submission).

Allele frequency attached by ClinVar (database versions not stated): gnomAD 0.00001; gnomAD exomes 0.00001; TOPMed 0.00001.
gnomAD v4.1: 23 of 1,613,914 alleles (0.0014%); highest among the groups gnomAD compares: Non-Finnish European, 0.0019%; no homozygotes.

Submission:

Labcorp Genetics (formerly Invitae), Labcorp
Classification: Uncertain significance. Last evaluated: 2023-06-22. Review status: criteria provided, single submitter. Criteria: Invitae Variant Classification Sherloc (09022015). Collection method: clinical testing. Allele origin: germline.
Comment: This sequence change replaces alanine, which is neutral and non-polar, with threonine, which is neutral and polar, at codon 1026 of the HMCN1 protein (p.Ala1026Thr). This variant is present in population databases (no rsID available, gnomAD 0.0009%). This variant has not been reported in the literature in individuals affected with HMCN1-related conditions. An algorithm developed to predict the effect of missense changes on protein structure and function (PolyPhen-2) suggests that this variant is likely to be disruptive. In summary, the available evidence is currently insufficient to determine the role of this variant in disease. Therefore, it has been classified as a Variant of Uncertain Significance.

NM_031935.3(HMCN1):c.3076G>A (p.Ala1026Thr)

Gene: HMCN1 (hemicentin 1; plus strand). Cytogenetic location: 1q31.1.
Variant type: single nucleotide variant.
Coding change: c.3076G>A on transcript NM_031935.3 (MANE Select); coding-DNA position 3076, G replaced by A.
Protein change: p.Ala1026Thr; replaces alanine 1026 with threonine.
Molecular consequence: missense variant.
Genome position (GRCh38, 1-based): chr1:185,989,515, G>A. VCF-style: chr1-185989515-G-A. GRCh37 (hg19) VCF-style: chr1-185958647-G-A.
Other names: short protein forms A1026T.
Identifiers: ClinVar variation 2730287 (VCV002730287.3), dbSNP rs923836712, ClinGen allele CA33471361.
Genomic context (GRCh38, chr1:185,989,515, plus strand): 5'-AAAAAACCCTTTGCTTTTCGCCGTGTTTTGCAGAAAGGAGAGCTGATTTCAACCAGCAGT[G>A]CTAAGTTTTCAGCAGGAGCTGATGGTAGTCTGTATGTGGTATCACCTGGAGGAGAGGAGA-3'
Protein context (NP_114141.2, residues 1016-1036): KKGELISTSS[Ala1026Thr]KFSAGADGSL